The following is an entry in ClinVar:

ClinVar aggregate classification (germline): Pathogenic/Likely pathogenic. Review status: criteria provided, multiple submitters, no conflicts (2 of 4 stars). 2 submissions from 2 submitters: Pathogenic (1); Likely pathogenic (1). Last evaluated 2023-09-02.

Conditions:
Bronchiectasis with or without elevated sweat chloride 1 (BESC1). Also called: Cystic Fibrosis-Like Syndrome. Identifiers: Orphanet 60033, MedGen C2749757, MONDO:0008887, OMIM 211400.
Cystic fibrosis (CF). Also called: MUCOVISCIDOSIS. Identifiers: Orphanet 586, MedGen C0010674, MONDO:0009061, OMIM 219700. Disease mechanism: loss of function.

Submissions (2):

Baylor Genetics
Classification: Likely pathogenic for Bronchiectasis with or without elevated sweat chloride 1. Last evaluated: 2023-09-02. Review status: criteria provided, single submitter. Criteria: ACMG Guidelines, 2015. Collection method: clinical testing. Allele origin: unknown.

Labcorp Genetics (formerly Invitae), Labcorp
Classification: Pathogenic for Cystic fibrosis. Last evaluated: 2021-06-02. Review status: criteria provided, single submitter. Criteria: Invitae Variant Classification Sherloc (09022015). Collection method: clinical testing. Allele origin: germline.
Comment: For these reasons, this variant has been classified as Pathogenic. This variant has not been reported in the literature in individuals with CFTR-related conditions. This variant is not present in population databases (ExAC no frequency). This sequence change creates a premature translational stop signal (p.Thr421Asnfs*3) in the CFTR gene. It is expected to result in an absent or disrupted protein product. Loss-of-function variants in CFTR are known to be pathogenic (PMID: 1695717, 7691345, 9725922).

Literature cited by the submitters: PubMed 1695717 (cited by Labcorp Genetics (formerly Invitae), Labcorp); PubMed 7691345 (cited by Labcorp Genetics (formerly Invitae), Labcorp); PubMed 9725922 (cited by Labcorp Genetics (formerly Invitae), Labcorp).

NM_000492.4(CFTR):c.1261dup (p.Thr421fs)

Genes: CFTR (CF transmembrane conductance regulator; plus strand), CFTR-AS1 (CFTR antisense RNA 1; minus strand). Cytogenetic location: 7q31.2.
Variant type: Duplication.
Coding change: c.1261dup on transcript NM_000492.4 (MANE Select); coding-DNA position 1261, one base duplicated (A; older notation c.1261dupA).
Protein change: p.Thr421fs; shifts the reading frame from threonine 421.
Molecular consequence: frameshift variant.
Genome position (GRCh38, 1-based): chr7:117,548,692, A duplicated; the last of 5 consecutive A bases (chr7:117,548,688-117,548,692); duplicating any one gives the same sequence. VCF-style (leftmost placement, unchanged base first): chr7-117548687-G-GA. GRCh37 (hg19) VCF-style: chr7-117188741-G-GA.
Other names: short protein forms T421fs.
Identifiers: ClinVar variation 1456282 (VCV001456282.7), dbSNP rs2115903081, ClinGen allele CA2573141582.